The following is an entry in ClinVar:

ClinVar aggregate classification (germline): Uncertain significance. Review status: criteria provided, multiple submitters, no conflicts (2 of 4 stars). 2 submissions from 2 submitters: Uncertain significance (2). Last evaluated 2026-08-01.

gnomAD v4.1: 17 of 1,613,628 alleles (0.0011%); highest among the groups gnomAD compares: Non-Finnish European, 0.0013%; no homozygotes.

Submissions (2):

CeGaT Center for Human Genetics Tuebingen
Classification: Uncertain significance. Last evaluated: 2026-08-01. Review status: criteria provided, single submitter. Criteria: CeGaT Center For Human Genetics Tuebingen Variant Classification Criteria Version 2. Collection method: clinical testing. Allele origin: germline. Affected: yes. Observed: 1 variant allele.

Labcorp Genetics (formerly Invitae), Labcorp
Classification: Uncertain significance. Last evaluated: 2025-12-06. Review status: criteria provided, single submitter. Criteria: Invitae Variant Classification Sherloc (09022015). Collection method: clinical testing. Allele origin: germline.
Comment: This sequence change replaces serine, which is neutral and polar, with phenylalanine, which is neutral and non-polar, at codon 3567 of the KMT2A protein (p.Ser3567Phe). This variant is present in population databases (no rsID available, gnomAD 0.0009%). This variant has not been reported in the literature in individuals affected with KMT2A-related conditions. Invitae Evidence Modeling of protein sequence and biophysical properties (such as structural, functional, and spatial information, amino acid conservation, physicochemical variation, residue mobility, and thermodynamic stability) indicates that this missense variant is not expected to disrupt KMT2A protein function with a negative predictive value of 95%. In summary, the available evidence is currently insufficient to determine the role of this variant in disease. Therefore, it has been classified as a Variant of Uncertain Significance.

NM_001197104.2(KMT2A):c.10700C>T (p.Ser3567Phe)

Gene: KMT2A (lysine methyltransferase 2A; plus strand). Cytogenetic location: 11q23.3.
Variant type: single nucleotide variant.
Coding change: c.10700C>T on transcript NM_001197104.2 (MANE Select); coding-DNA position 10700, C replaced by T.
Protein change: p.Ser3567Phe; replaces serine 3567 with phenylalanine.
Molecular consequence: missense variant.
Genome position (GRCh38, 1-based): chr11:118,506,592, C>T. VCF-style: chr11-118506592-C-T. GRCh37 (hg19) VCF-style: chr11-118377307-C-T.
Other names: c.10790C>T, p.Ser3597Phe (NM_001412597.1); c.10691C>T, p.Ser3564Phe (NM_005933.4); short protein forms S3564F, S3567F, S3597F.
Identifiers: ClinVar variation 4778611 (VCV004778611.2).
Genomic context (GRCh38, chr11:118,506,592, plus strand): 5'-AGCTGCCTCTAGACAAAGGGAATGGCAAGAAGCACAAAGTTTCCCATTTGCGGACCAGTT[C>T]TTCTGAAGCACACATTCCAGACCAAGAAACGACATCCCTGACCTCAGGCACAGGGTGAGA-3'
Protein context (NP_001184033.1, residues 3557-3577): KHKVSHLRTS[Ser3567Phe]SEAHIPDQET